The following is an entry in ClinVar:

NM_001077350.3(NPRL3):c.821T>C (p.Leu274Pro)

Genes: HBA-LCR (alpha-globin locus control region; plus strand), NPRL3 (NPR3 like, GATOR1 complex subunit; minus strand). Cytogenetic location: 16p13.3.
Variant type: single nucleotide variant.
Coding change: c.821T>C on transcript NM_001077350.3 (MANE Select); coding-DNA position 821, T replaced by C.
Protein change: p.Leu274Pro; replaces leucine 274 with proline.
Molecular consequence: missense variant.
Genome position (GRCh38, 1-based): chr16:98,248, A>G on the plus strand (T>C on the coding strand, the complement: NPRL3 is on the minus strand). VCF-style: chr16-98248-A-G. GRCh37 (hg19) VCF-style: chr16-148246-A-G.
Other names: c.284T>C, p.Leu95Pro (NM_001039476.3); c.587T>C, p.Leu196Pro (NM_001243247.2); c.746T>C, p.Leu249Pro (NM_001243248.2, NM_001243249.2); short protein forms L274P, L95P, L196P, L249P.
Identifiers: ClinVar variation 2117286 (VCV002117286.4), dbSNP rs2542826396, ClinGen allele CA394055534.

ClinVar aggregate classification (germline): Uncertain significance (1 of 4 stars; one submission).

Conditions:
Epilepsy, familial focal, with variable foci 3 (FFEVF3). Identifiers: MedGen C4310708, MONDO:0014925, OMIM 617118.

Allele frequency attached by ClinVar (database versions not stated): gnomAD exomes below 0.00001.
gnomAD v4.1: 1 of 1,613,986 alleles (0.000062%); highest among the groups gnomAD compares: Non-Finnish European, 0.000085%; no homozygotes.

Submission:

Labcorp Genetics (formerly Invitae), Labcorp
Classification: Uncertain significance for Epilepsy, familial focal, with variable foci 3. Last evaluated: 2022-06-08. Review status: criteria provided, single submitter. Criteria: Invitae Variant Classification Sherloc (09022015). Collection method: clinical testing. Allele origin: germline.
Comment: This sequence change replaces leucine, which is neutral and non-polar, with proline, which is neutral and non-polar, at codon 274 of the NPRL3 protein (p.Leu274Pro). In summary, the available evidence is currently insufficient to determine the role of this variant in disease. Therefore, it has been classified as a Variant of Uncertain Significance. Experimental studies and prediction algorithms are not available or were not evaluated, and the functional significance of this variant is currently unknown. This variant has not been reported in the literature in individuals affected with NPRL3-related conditions. This variant is not present in population databases (gnomAD no frequency).